The following is an entry in ClinVar:

ClinVar aggregate classification (germline): Benign/Likely benign. Review status: criteria provided, multiple submitters, no conflicts (2 of 4 stars). 10 submissions from 10 submitters: Benign (7); Likely benign (1). 2 of the submissions do not count toward it. Last evaluated 2026-02-04.

Conditions:
Porokeratosis 3, disseminated superficial actinic type (POROK3). Also called: POROKERATOSIS 3, MULTIPLE TYPES; POROKERATOSIS 3, MIBELLI TYPE; POROKERATOSIS, DISSEMINATED SUPERFICIAL ACTINIC, 1. Identifiers: MedGen C1867981, MONDO:0008293, OMIM 175900.
Mevalonic aciduria (MEVA). Identifiers: Orphanet 29, MedGen C1959626, MONDO:0012481, OMIM 610377.
Hyperimmunoglobulin D with periodic fever (HIDS). Also called: Hyperimmunoglobulinemia D; Hyperimmunoglobulinemia D with periodic fever; HYPERIMMUNOGLOBULINEMIA D AND PERIODIC FEVER SYNDROME. Identifiers: Orphanet 343, MedGen C0398691, MONDO:0009849, OMIM 260920.

Allele frequency attached by ClinVar (database versions not stated): 1000 Genomes Project 0.22863; gnomAD exomes 0.22964; 1000 Genomes Project 30x 0.23517; gnomAD 0.25459 and 0.25946; TOPMed 0.26411; ESP Exome Variant Server 0.27195.
gnomAD v4.1: 403,929 of 1,612,244 alleles (25%); highest among the groups gnomAD compares: African/African-American, 31%; 52,002 homozygotes.

Submissions (10):

Labcorp Genetics (formerly Invitae), Labcorp
Classification: Benign for Mevalonic aciduria; Hyperimmunoglobulin D with periodic fever; Porokeratosis 3, disseminated superficial actinic type. Last evaluated: 2026-02-04. Review status: criteria provided, single submitter. Criteria: Invitae Variant Classification Sherloc (09022015). Collection method: clinical testing. Allele origin: germline.

Women's Health and Genetics/Laboratory Corporation of America, LabCorp
Classification: Benign. Last evaluated: 2026-01-21. Review status: criteria provided, single submitter. Criteria: LabCorp Variant Classification Summary - May 2015. Collection method: clinical testing. Allele origin: germline.

ARUP Laboratories, Molecular Genetics and Genomics, ARUP Laboratories
Classification: Benign. Last evaluated: 2025-07-29. Review status: criteria provided, single submitter. Criteria: ARUP Molecular Germline Variant Investigation Process 2024. Collection method: clinical testing. Allele origin: germline.

Blueprint Genetics
Classification: Likely benign. Last evaluated: 2024-11-27. Review status: criteria provided, single submitter. Criteria: ACMG Guidelines, 2015. Collection method: clinical testing. Allele origin: germline.

Unidad de Genómica Garrahan, Hospital de Pediatría Garrahan
Classification: Benign. Last evaluated: 2023-11-12. Review status: criteria provided, single submitter. Criteria: ACMG Guidelines, 2015. Collection method: clinical testing. Allele origin: germline. Affected: no. Observed: 30 variant alleles.
Comment: This variant is classified as Benign based on local population frequency. This variant was detected in 31% of patients studied by a panel of primary immunodeficiencies. Number of patients: 30. Only high quality variants are reported.

Mayo Clinic Laboratories, Mayo Clinic
Classification: Benign. Last evaluated: 2022-05-05. Review status: criteria provided, single submitter. Criteria: ACMG Guidelines, 2015. Collection method: clinical testing. Allele origin: germline. Observed: 544 variant alleles.

Breakthrough Genomics
Classification: Benign. Review status: criteria provided, single submitter. Criteria: ACMG Guidelines, 2015. Collection method: not provided. Allele origin: germline. Inheritance: Autosomal recessive inheritance. Affected: yes.

PreventionGenetics, part of Exact Sciences
Classification: Benign. Review status: criteria provided, single submitter. Criteria: ACMG Guidelines, 2015. Collection method: clinical testing. Allele origin: germline.

Genome Diagnostics Laboratory, University Medical Center Utrecht
Classification: Benign. Review status: no assertion criteria provided. Collection method: clinical testing. Allele origin: germline. Affected: yes. Study: VKGL Data-share Consensus. Not counted in ClinVar's aggregate classification.

Joint Genome Diagnostic Labs from Nijmegen and Maastricht, Radboudumc and MUMC+
Classification: Benign. Review status: no assertion criteria provided. Collection method: clinical testing. Allele origin: germline. Affected: yes. Study: VKGL Data-share Consensus. Not counted in ClinVar's aggregate classification.

NM_000431.4(MVK):c.632-18A>G

Gene: MVK (mevalonate kinase; plus strand). Cytogenetic location: 12q24.11.
Variant type: single nucleotide variant.
Coding change: c.632-18A>G on transcript NM_000431.4 (MANE Select); 18 bases into the intron before coding-DNA position 632, A replaced by G.
Molecular consequence: intron variant.
Genome position (GRCh38, 1-based): chr12:109,586,736, A>G. VCF-style: chr12-109586736-A-G. GRCh37 (hg19) VCF-style: chr12-110024541-A-G.
Other names: p.?; c.476-18A>G (NM_001301182.2); c.632-18A>G (NM_001114185.3).
Identifiers: ClinVar variation 138312 (VCV000138312.36), dbSNP rs2270375, ClinGen allele CA292252.
Genomic context (GRCh38, chr12:109,586,736, plus strand): 5'-AAAGTTCAACCTCTCTCCCAAGTAGCACAGATATGTTAGCTTTTCCCACAGCTCTGACCC[A>G]CTGGTTTTTCTCTTTAGGAGGAGCCCTCCGATACCATCAAGGGAAGATTTCATCCTTAAA-3'